The following is an entry in ClinVar:

ClinVar aggregate classification (germline): Benign. Review status: criteria provided, single submitter (1 of 4 stars). 2 submissions from 2 submitters: Benign (1). 1 of the submissions does not count toward it. Last evaluated 2025-10-08.

Conditions:
KATNIP-related disorder. Also called: KATNIP-related condition.

Allele frequency attached by ClinVar (database versions not stated): TOPMed 0.00006; 1000 Genomes Project 0.00379; 1000 Genomes Project 30x 0.00390.
gnomAD v4.1: 1,750 of 1,613,708 alleles (0.11%); highest among the groups gnomAD compares: South Asian, 1.9%; 29 homozygotes.

Submissions (2):

Labcorp Genetics (formerly Invitae), Labcorp
Classification: Benign. Last evaluated: 2025-10-08. Review status: criteria provided, single submitter. Criteria: Invitae Variant Classification Sherloc (09022015). Collection method: clinical testing. Allele origin: germline.

PreventionGenetics, part of Exact Sciences
Classification: Likely benign for KATNIP-related condition. Last evaluated: 2021-10-19. Review status: no assertion criteria provided. Collection method: clinical testing. Allele origin: germline. Not counted in ClinVar's aggregate classification.
Comment: This variant is classified as likely benign based on ACMG/AMP sequence variant interpretation guidelines (Richards et al. 2015 PMID: 25741868, with internal and published modifications).

NM_015202.5(KATNIP):c.1016A>T (p.Asp339Val)

Gene: KATNIP (katanin interacting protein; plus strand). Cytogenetic location: 16p12.1.
Variant type: single nucleotide variant.
Coding change: c.1016A>T on transcript NM_015202.5 (MANE Select); coding-DNA position 1016, A replaced by T.
Protein change: p.Asp339Val; replaces aspartic acid 339 with valine.
Molecular consequence: missense variant.
Genome position (GRCh38, 1-based): chr16:27,698,403, A>T. VCF-style: chr16-27698403-A-T. GRCh37 (hg19) VCF-style: chr16-27709724-A-T.
Other names: c.1016A>T (NM_015202.3); short protein forms D339V.
Identifiers: ClinVar variation 736537 (VCV000736537.11), dbSNP rs143544045, ClinGen allele CA7977543.